The following is an entry in ClinVar:

ClinVar aggregate classification (germline): Benign/Likely benign (0 of 4 stars; one submission).

Submission:

ISCA Site 6
Classification: Benign/Likely benign. Review status: no assertion criteria provided. Collection method: clinical testing. Allele origin: unknown. Affected: yes. Observed: 3 variant alleles. Clinical features observed: Developmental delay AND/OR other significant developmental or morphological phenotypes.
Comment: Likely benign (1), Benign (2)

Copy number variation identified through the course of routine clinical cytogenomic testing in postnatal populations, with clinical assertions as classified by the original submitter. For data from the original published study, Kaminsky, et al. 2011 (PubMed 21844811), please see nstd101.

GRCh37/hg19 17p13.3(chr17:199921-264204)x3

Genes: RPH3AL (rabphilin 3A like (without C2 domains)), LIAT1 (ligand of ATE1; plus strand). Cytogenetic location: 17p13.3.
Variant type: copy number gain.
Change: copy number 3 (three copies instead of two) of chr17:199,921-264,204 (64.3 kb, GRCh37 coordinates, 1-based), cytogenetic band 17p13.3.
Identifiers: ClinVar variation 393943 (VCV000393943.3).